The following is an entry in ClinVar:

NM_058216.3(RAD51C):c.572-6T>C

Gene: RAD51C (RAD51 paralog C; plus strand). Cytogenetic location: 17q22.
Variant type: single nucleotide variant.
Coding change: c.572-6T>C on transcript NM_058216.3 (MANE Select); 6 bases into the intron before coding-DNA position 572, T replaced by C.
Molecular consequence: intron variant.
Genome position (GRCh38, 1-based): chr17:58,703,190, T>C. VCF-style: chr17-58703190-T-C. GRCh37 (hg19) VCF-style: chr17-56780551-T-C.
Identifiers: ClinVar variation 4698361 (VCV004698361.1).

ClinVar aggregate classification (germline): Uncertain significance (1 of 4 stars; one submission).

Conditions:
Fanconi anemia complementation group O. Also called: RAD51C-Related Fanconi Anemia. Identifiers: Orphanet 84, MedGen C3150653, MONDO:0013248, OMIM 613390.

Submission:

Labcorp Genetics (formerly Invitae), Labcorp
Classification: Uncertain significance for Fanconi anemia complementation group O. Last evaluated: 2025-11-13. Review status: criteria provided, single submitter. Criteria: Invitae Variant Classification Sherloc (09022015). Collection method: clinical testing. Allele origin: germline.
Comment: This sequence change falls in intron 3 of the RAD51C gene. It does not directly change the encoded amino acid sequence of the RAD51C protein. This variant is not present in population databases (gnomAD no frequency). This variant has not been reported in the literature in individuals affected with RAD51C-related conditions. Algorithms developed to predict the effect of sequence changes on RNA splicing suggest that this variant may disrupt the consensus splice site. In summary, the available evidence is currently insufficient to determine the role of this variant in disease. Therefore, it has been classified as a Variant of Uncertain Significance.